The following is an entry in ClinVar:

NM_006431.3(CCT2):c.1435+4A>G

Gene: CCT2 (chaperonin containing TCP1 subunit 2; plus strand). Cytogenetic location: 12q15.
Variant type: single nucleotide variant.
Coding change: c.1435+4A>G on transcript NM_006431.3 (MANE Select); 4 bases into the intron after coding-DNA position 1435, A replaced by G.
Molecular consequence: intron variant.
Genome position (GRCh38, 1-based): chr12:69,598,425, A>G. VCF-style: chr12-69598425-A-G. GRCh37 (hg19) VCF-style: chr12-69992205-A-G.
Other names: c.1294+4A>G (NM_001198842.2).
Identifiers: ClinVar variation 4724271 (VCV004724271.1).

ClinVar aggregate classification (germline): Uncertain significance (1 of 4 stars; one submission).

Submission:

Labcorp Genetics (formerly Invitae), Labcorp
Classification: Uncertain significance. Last evaluated: 2025-12-23. Review status: criteria provided, single submitter. Criteria: Invitae Variant Classification Sherloc (09022015). Collection method: clinical testing. Allele origin: germline.
Comment: This sequence change falls in intron 14 of the CCT2 gene. It does not directly change the encoded amino acid sequence of the CCT2 protein. It affects a nucleotide within the consensus splice site. This variant is not present in population databases (gnomAD no frequency). This variant has not been reported in the literature in individuals affected with CCT2-related conditions. Variants that disrupt the consensus splice site are a relatively common cause of aberrant splicing (PMID: 17576681, 9536098). Algorithms developed to predict the effect of sequence changes on RNA splicing suggest that this variant may disrupt the consensus splice site. In summary, the available evidence is currently insufficient to determine the role of this variant in disease. Therefore, it has been classified as a Variant of Uncertain Significance.

Literature cited by the submitters: PubMed 17576681; PubMed 9536098.